The following is an entry in ClinVar:

NM_001377.3(DYNC2H1):c.12556G>A (p.Glu4186Lys)

Gene: DYNC2H1 (dynein cytoplasmic 2 heavy chain 1; plus strand). Cytogenetic location: 11q22.3.
Variant type: single nucleotide variant.
Coding change: c.12556G>A on transcript NM_001377.3 (MANE Select); coding-DNA position 12556, G replaced by A.
Protein change: p.Glu4186Lys; replaces glutamic acid 4186 with lysine.
Molecular consequence: missense variant.
Genome position (GRCh38, 1-based): chr11:103,455,285, G>A. VCF-style: chr11-103455285-G-A. GRCh37 (hg19) VCF-style: chr11-103326013-G-A.
Other names: c.12577G>A, p.Glu4193Lys (NM_001080463.2); short protein forms E4193K, E4186K.
Identifiers: ClinVar variation 188321 (VCV000188321.6), dbSNP rs764491760, ClinGen allele CA334605.

ClinVar aggregate classification (germline): Uncertain significance (1 of 4 stars; one submission).

Conditions:
Jeune thoracic dystrophy. Also called: Jeune syndrome; Infantile thoracic dystrophy; Thoracic pelvic phalangeal dystrophy; Jeune's syndrome; Chondroectodermal dysplasia-like syndrome; Short-rib thoracic dysplasia. Identifiers: Orphanet 474, MedGen C0265275, MONDO:0018770.

Allele frequency attached by ClinVar (database versions not stated): gnomAD exomes below 0.00001; ExAC 0.00001; TOPMed 0.00001.
gnomAD v4.1: 5 of 1,612,902 alleles (0.00031%); highest among the groups gnomAD compares: Admixed American, 0.0067%; no homozygotes.

Submission:

Labcorp Genetics (formerly Invitae), Labcorp
Classification: Uncertain significance for Jeune thoracic dystrophy. Last evaluated: 2021-08-20. Review status: criteria provided, single submitter. Criteria: Invitae Variant Classification Sherloc (09022015). Collection method: clinical testing. Allele origin: germline.
Comment: This sequence change replaces glutamic acid with lysine at codon 4193 of the DYNC2H1 protein (p.Glu4193Lys). The glutamic acid residue is highly conserved and there is a small physicochemical difference between glutamic acid and lysine. This variant has not been reported in the literature in individuals affected with DYNC2H1-related conditions. In summary, the available evidence is currently insufficient to determine the role of this variant in disease. Therefore, it has been classified as a Variant of Uncertain Significance.